The following is an entry in ClinVar:

ClinVar aggregate classification (germline): Conflicting classifications of pathogenicity. Review status: criteria provided, conflicting classifications (1 of 4 stars). 4 submissions from 4 submitters: Uncertain significance (1); Benign (2); Likely benign (1). Last evaluated 2026-01-28.

Conditions:
Hypomyelination and Congenital Cataract (HLD5). Also called: hypomyelinating leukodystrophy 5. Identifiers: Orphanet 85163, MedGen C1864663, MONDO:0012514, OMIM 610532.

Allele frequency attached by ClinVar (database versions not stated): ESP Exome Variant Server 0.00538; 1000 Genomes Project 30x 0.00640; 1000 Genomes Project 0.00659; gnomAD exomes 0.00045 and 0.00124; ExAC 0.00151; gnomAD 0.00403 and 0.00421; TOPMed 0.00480.
gnomAD v4.1: 1,299 of 1,613,822 alleles (0.08%); highest among the groups gnomAD compares: African/African-American, 1.3%; 7 homozygotes.

Submissions (4):

Labcorp Genetics (formerly Invitae), Labcorp
Classification: Benign for Hypomyelination and Congenital Cataract. Last evaluated: 2026-01-28. Review status: criteria provided, single submitter. Criteria: Invitae Variant Classification Sherloc (09022015). Collection method: clinical testing. Allele origin: germline.

Blueprint Genetics
Classification: Likely benign. Last evaluated: 2024-11-25. Review status: criteria provided, single submitter. Criteria: ACMG Guidelines, 2015. Collection method: clinical testing. Allele origin: germline.

CeGaT Center for Human Genetics Tuebingen
Classification: Benign. Last evaluated: 2023-05-01. Review status: criteria provided, single submitter. Criteria: CeGaT Center For Human Genetics Tuebingen Variant Classification Criteria Version 2. Collection method: clinical testing. Allele origin: germline. Affected: yes. Observed: 2 variant alleles.
Comment: HYCC1: BP4, BS1, BS2

GeneDx
Classification: Uncertain significance. Last evaluated: 2017-05-18. Review status: criteria provided, single submitter. Criteria: GeneDx Variant Classification (06012015). Collection method: clinical testing. Allele origin: germline. Affected: yes.
Comment: The T498A variant in the FAM126A gene has not been reported previously as a pathogenic variant, nor as a benign variant, to our knowledge. The T498A variant is observed in 154/10400 (1.48%) alleles from individuals of African background in large population cohorts with no homozygous control individuals reported (Lek et al., 2016; 1000 Genomes Consortium et al., 2015; Exome Variant Server). The T498A variant is a non-conservative amino acid substitution, which is likely to impact secondary protein structure as these residues differ in polarity, charge, size and/or other properties. However, this substitution occurs at a position that is not conserved, and in silico analysis is inconsistent in its predictions as to whether or not the variant is damaging to the protein structure/function. We interpret T498A as a variant of uncertain significance.

NM_032581.4(HYCC1):c.1492A>G (p.Thr498Ala)

Gene: HYCC1 (hyccin PI4KA lipid kinase complex subunit 1; minus strand). Cytogenetic location: 7p15.3.
Variant type: single nucleotide variant.
Coding change: c.1492A>G on transcript NM_032581.4 (MANE Select); coding-DNA position 1492, A replaced by G.
Protein change: p.Thr498Ala; replaces threonine 498 with alanine.
Molecular consequence: missense variant. On other transcripts: 3 prime UTR variant (2).
Genome position (GRCh38, 1-based): chr7:22,945,663, T>C on the plus strand (A>G on the coding strand, the complement: HYCC1 is on the minus strand). VCF-style: chr7-22945663-T-C. GRCh37 (hg19) VCF-style: chr7-22985282-T-C.
Other names: c.*528A>G (NM_001363466.2); c.*486A>G (NM_001363467.2); short protein forms T498A.
Identifiers: ClinVar variation 430052 (VCV000430052.37), dbSNP rs143894913, ClinGen allele CA4185716.
Genomic context (GRCh38, chr7:22,945,663, plus strand): 5'-GAGTAATGCTAATACTAGGAGGTCTCTGCTGACCTGATTGATGCTTCATTGGAAGTTCAG[T>C]TCTTTCTGAAACGTAAATAAGCTTTTCTTCTTGGAGACTACAAGCGGAAAACCTATTGGC-3'
Protein context (NP_115970.2, residues 488-508): EEKLIYVSER[Thr498Ala]ELPMKHQSGQ